The following is an entry in ClinVar:

NM_000321.3(RB1):c.572T>C (p.Leu191Pro)

Gene: RB1 (RB transcriptional corepressor 1; plus strand). Cytogenetic location: 13q14.2.
Variant type: single nucleotide variant.
Coding change: c.572T>C on transcript NM_000321.3 (MANE Select); coding-DNA position 572, T replaced by C.
Protein change: p.Leu191Pro; replaces leucine 191 with proline.
Molecular consequence: missense variant.
Genome position (GRCh38, 1-based): chr13:48,348,988, T>C. VCF-style: chr13-48348988-T-C. GRCh37 (hg19) VCF-style: chr13-48923124-T-C.
Other names: c.572T>C, p.Leu191Pro (NM_001407165.1, NM_001407166.1); short protein forms L191P.
Identifiers: ClinVar variation 4826603 (VCV004826603.1).

ClinVar aggregate classification (germline): Uncertain significance (1 of 4 stars; one submission).

Conditions:
Hereditary cancer-predisposing syndrome. Also called: Neoplastic Syndromes, Hereditary; Tumor predisposition; Hereditary Cancer Syndrome; Hereditary neoplastic syndrome. Identifiers: Orphanet 140162, MedGen C0027672, MeSH D009386, MONDO:0015356.

Submission:

Ambry Genetics
Classification: Uncertain significance for Hereditary cancer-predisposing syndrome. Last evaluated: 2026-03-12. Review status: criteria provided, single submitter. Criteria: Ambry Variant Classification Scheme 2023. Collection method: clinical testing. Allele origin: germline.
Comment: The p.L191P variant (also known as c.572T>C), located in coding exon 6 of the RB1 gene, results from a T to C substitution at nucleotide position 572. The leucine at codon 191 is replaced by proline, an amino acid with similar properties. This amino acid position is conserved. In addition, the in silico prediction for this alteration is inconclusive. Based on the available evidence, the clinical significance of this variant remains unclear.